The following is an entry in ClinVar:

ClinVar aggregate classification (germline): Uncertain significance (1 of 4 stars; one submission).

Conditions:
Charcot-Marie-Tooth disease type 2. Also called: Charcot-Marie-Tooth type 2. Identifiers: Orphanet 64746, MedGen C0270914, MONDO:0018993.

Submission:

Labcorp Genetics (formerly Invitae), Labcorp
Classification: Uncertain significance for Charcot-Marie-Tooth disease type 2. Last evaluated: 2021-10-24. Review status: criteria provided, single submitter. Criteria: Invitae Variant Classification Sherloc (09022015). Collection method: clinical testing. Allele origin: germline.
Comment: In summary, the available evidence is currently insufficient to determine the role of this variant in disease. Therefore, it has been classified as a Variant of Uncertain Significance. This variant has not been reported in the literature in individuals with GARS-related conditions. This variant results in a copy number gain of the genomic region encompassing exons 9-17 of the GARS gene. The 5' boundary is likely confined to intron 8. The 3' end of this event is unknown as it extends beyond the assayed region for this gene and therefore may encompass additional genes. As the precise location of this event is unknown, it may be in tandem or it may be located elsewhere in the genome.

NC_000007.13:g.(?_30655492)_(31018859_?)dup

Genes: INMT (indolethylamine N-methyltransferase; plus strand), MINDY4 (MINDY lysine 48 deubiquitinase 4; plus strand), GHRHR (growth hormone releasing hormone receptor; plus strand), AQP1 (aquaporin 1 (Colton blood group); plus strand), CRHR2 (corticotropin releasing hormone receptor 2; minus strand) and 1 more. Cytogenetic location: 7p14.3.
Variant type: Duplication.
Identifiers: ClinVar variation 1680631 (VCV001680631.4).